The following is an entry in ClinVar:

ClinVar aggregate classification (germline): Uncertain significance (1 of 4 stars; one submission).

Submission:

Labcorp Genetics (formerly Invitae), Labcorp
Classification: Uncertain significance. Last evaluated: 2025-11-03. Review status: criteria provided, single submitter. Criteria: Invitae Variant Classification Sherloc (09022015). Collection method: clinical testing. Allele origin: germline.
Comment: This sequence change replaces serine, which is neutral and polar, with cysteine, which is neutral and slightly polar, at codon 65 of the POMP protein (p.Ser65Cys). This variant is not present in population databases (gnomAD no frequency). This variant has not been reported in the literature in individuals affected with POMP-related conditions. ClinVar contains an entry for this variant (Variation ID: 1364663). An algorithm developed to predict the effect of missense changes on protein structure and function (PolyPhen-2) suggests that this variant is likely to be disruptive. In summary, the available evidence is currently insufficient to determine the role of this variant in disease. Therefore, it has been classified as a Variant of Uncertain Significance.

NM_015932.6(POMP):c.194C>G (p.Ser65Cys)

Gene: POMP (proteasome maturation protein; plus strand). Cytogenetic location: 13q12.3.
Variant type: single nucleotide variant.
Coding change: c.194C>G on transcript NM_015932.6 (MANE Select); coding-DNA position 194, C replaced by G.
Protein change: p.Ser65Cys; replaces serine 65 with cysteine.
Molecular consequence: missense variant.
Genome position (GRCh38, 1-based): chr13:28,668,504, C>G. VCF-style: chr13-28668504-C-G. GRCh37 (hg19) VCF-style: chr13-29242641-C-G.
Other names: short protein forms S65C.
Identifiers: ClinVar variation 1364663 (VCV001364663.8), dbSNP rs201502173, ClinGen allele CA247678333.
Genomic context (GRCh38, chr13:28,668,504, plus strand): 5'-AATGTTTAAAATTACATTGTCTTTTGTAGTTCCAGCTCAACCAAGATAAAATGAATTTTT[C>G]CACACTGAGAAACATTCAGGGTCTATTTGCTCCGCTAAAATTACAGATGGAATTCAAGGC-3'
Protein context (NP_057016.1, residues 55-75): FQLNQDKMNF[Ser65Cys]TLRNIQGLFA